The following is an entry in ClinVar:

NM_007078.3(LDB3):c.1166_1167inv (p.Ala389Gly)

Gene: LDB3 (LIM domain binding 3; plus strand). Cytogenetic location: 10q23.2.
Variant type: Inversion.
Coding change: c.1166_1167inv on transcript NM_007078.3 (MANE Select).
Protein change: p.Ala389Gly; replaces alanine 389 with glycine.
Molecular consequence: missense variant.
Genome position: GRCh38 VCF-style: chr10-86709985-CC-GG. GRCh37 (hg19) VCF-style: chr10-88469742-CC-GG.
Other names: c.836_837inv, p.Ala279Gly (NM_001080114.2); c.1181_1182inv, p.Ala394Gly (NM_001171610.2); c.977_978inv, p.Ala326Gly (NM_001368064.1, NM_001368065.1); c.1025_1026inv, p.Ala342Gly (NM_001368066.1); c.1166_1167delinsGG (LRG_385t1); short protein forms A342G, A326G, A279G, A389G, A394G.
Identifiers: ClinVar variation 201859 (VCV000201859.3), ClinGen allele CA308668.

ClinVar aggregate classification (germline): Uncertain significance. Review status: criteria provided, multiple submitters, no conflicts (2 of 4 stars). 2 submissions from 2 submitters: Uncertain significance (2). Last evaluated 2025-01-27.

Conditions:
Myofibrillar myopathy 4. Also called: Zaspopathy (type). Identifiers: Orphanet 98912, MedGen C4721886, MONDO:0012277, OMIM 609452.

Submissions (2):

Labcorp Genetics (formerly Invitae), Labcorp
Classification: Uncertain significance for Myofibrillar myopathy 4. Last evaluated: 2025-01-27. Review status: criteria provided, single submitter. Criteria: Invitae Variant Classification Sherloc (09022015). Collection method: clinical testing. Allele origin: germline.
Comment: The LDB3 gene has multiple clinically relevant transcripts. This variant occurs in alternate transcript NM_007078.3, and corresponds to NM_001080116.1:c.*10611_*10612delinsGG in the primary transcript. This sequence change replaces alanine, which is neutral and non-polar, with glycine, which is neutral and non-polar, at codon 389 of the LDB3 protein (p.Ala389Gly). Information on the frequency of this variant in the gnomAD database is not available, as this variant may be reported differently in the database. This variant has not been reported in the literature in individuals affected with LDB3-related conditions. Experimental studies and prediction algorithms are not available or were not evaluated, and the functional significance of this variant is currently unknown. In summary, the available evidence is currently insufficient to determine the role of this variant in disease. Therefore, it has been classified as a Variant of Uncertain Significance.

GeneDx
Classification: Uncertain significance. Last evaluated: 2014-03-26. Review status: criteria provided, single submitter. Criteria: GeneDx Variant Classification (06012015). Collection method: clinical testing. Allele origin: germline. Affected: yes.
Comment: c.1166_1167delinsGG: p.Ala389Gly (A389G) in exon 8 of the LDB3 gene (NM_007078.2). The normal sequence with the bases that are deleted in braces and the brackets that are inserted in braces is: CCCG{CC}[GG]GCCC.To our knowledge, the c.1166_1167delCCinsGG (alternate HGVS nomenclature NM_007078.2:c.1166_1167invCC) or A389G variant has not been published as a mutation or as a benign polymorphism. The A389G variant is a conservative amino acid substitution, which is not likely to impact secondary protein structure as these residues share similar properties. However, the A389G variant was not observed in approximately 6,500 individuals of European and African American ancestry in the NHLBI Exome Sequencing Project, indicating it is not a common benign variant in these populations. This substitution occurs at a position that is relatively well conserved in mammals. In silico analysis predicts this variant is possibly damaging to the protein structure/function. However, no mutations in nearby residues have been reported in association with cardiomyopathy, suggesting this region of the protein may be tolerant to change. Therefore, based on the currently available information, it is unclear whether this variant is a pathogenic mutation or a rare benign variant. The variant is found in CARDIOMYOPATHY panel(s).